The following is an entry in ClinVar:

NM_002474.3(MYH11):c.1575+8del

Gene: MYH11 (myosin heavy chain 11; minus strand). Cytogenetic location: 16p13.11.
Variant type: Deletion.
Coding change: c.1575+8del on transcript NM_002474.3 (MANE Select); 8 bases into the intron after coding-DNA position 1575, one base deleted (G; older notation c.1575+8delG).
Molecular consequence: intron variant.
Genome position (GRCh38, 1-based): chr16:15,757,819, C deleted on the plus strand (G on the coding strand, the reverse complement: MYH11 is on the minus strand); the first of 4 consecutive C bases (chr16:15,757,819-15,757,822); deleting any one gives the same sequence. VCF-style (leftmost placement, unchanged base first): chr16-15757818-GC-G. GRCh37 (hg19) VCF-style: chr16-15851675-GC-G.
Other names: p.?; c.1575+8del (NM_022844.3, NM_002474.2); c.1596+8del (NM_001040114.2, NM_001040113.2); c.1596+8delG (NM_001040113.1); c.1575+8delG (NM_002474.2).
Identifiers: ClinVar variation 201050 (VCV000201050.23), dbSNP rs769321167, ClinGen allele CA306494.

ClinVar aggregate classification (germline): Benign/Likely benign. Review status: criteria provided, multiple submitters, no conflicts (2 of 4 stars). 13 submissions from 13 submitters: Benign (2); Likely benign (8). 3 of the submissions do not count toward it. Last evaluated 2026-08-01.

Conditions:
MYH11-related disorder. Also called: MYH11-related condition.
Familial thoracic aortic aneurysm and aortic dissection (TAAD). Also called: Thoracic aortic aneurysms and dissections. Identifiers: Orphanet 91387, MedGen C4707243, MONDO:0019625.
Aortic aneurysm, familial thoracic 4 (AAT4). Also called: AORTIC ANEURYSM/AORTIC DISSECTION AND PATENT DUCTUS ARTERIOSUS. Identifiers: MedGen C1851504, MONDO:0007568, OMIM 132900.
Megacystis-microcolon-intestinal hypoperistalsis syndrome 2. Identifiers: MedGen C5543476, MONDO:0025708, OMIM 619351.
Visceral myopathy 2. Identifiers: MedGen C5543466, MONDO:0859157, OMIM 619350.

Submissions (13):

CeGaT Center for Human Genetics Tuebingen
Classification: Likely benign. Last evaluated: 2026-08-01. Review status: criteria provided, single submitter. Criteria: CeGaT Center For Human Genetics Tuebingen Variant Classification Criteria Version 2. Collection method: clinical testing. Allele origin: germline. Affected: yes. Observed: 1 variant allele.
Comment: MYH11: BP4

Labcorp Genetics (formerly Invitae), Labcorp
Classification: Likely benign for Aortic aneurysm, familial thoracic 4. Last evaluated: 2026-02-03. Review status: criteria provided, single submitter. Criteria: Invitae Variant Classification Sherloc (09022015). Collection method: clinical testing. Allele origin: germline.

Mayo Clinic Laboratories, Mayo Clinic
Classification: Likely benign. Last evaluated: 2025-10-03. Review status: criteria provided, single submitter. Criteria: ACMG Guidelines, 2015. Collection method: clinical testing. Allele origin: germline. Observed: 1 variant allele.
Comment: BS1, BP4, BP7

ARUP Laboratories, Molecular Genetics and Genomics, ARUP Laboratories
Classification: Likely benign. Last evaluated: 2025-05-14. Review status: criteria provided, single submitter. Criteria: ARUP Molecular Germline Variant Investigation Process 2024. Collection method: clinical testing. Allele origin: germline.

Molecular Diagnostic Laboratory for Inherited Cardiovascular Disease, Montreal Heart Institute
Classification: Likely benign. Last evaluated: 2025-04-09. Review status: criteria provided, single submitter. Criteria: ACMG Guidelines, 2015. Collection method: clinical testing. Allele origin: germline. Affected: no.
Comment: BP6

Blueprint Genetics
Classification: Likely benign. Last evaluated: 2024-03-05. Review status: criteria provided, single submitter. Criteria: ACMG Guidelines, 2015. Collection method: clinical testing. Allele origin: germline.

Fulgent Genetics
Classification: Likely benign for Aortic aneurysm, familial thoracic 4; Visceral myopathy 2; Megacystis-microcolon-intestinal hypoperistalsis syndrome 2. Last evaluated: 2021-12-16. Review status: criteria provided, single submitter. Criteria: ACMG Guidelines, 2015. Collection method: clinical testing. Allele origin: unknown.

Women's Health and Genetics/Laboratory Corporation of America, LabCorp
Classification: Benign. Last evaluated: 2021-04-08. Review status: criteria provided, single submitter. Criteria: LabCorp Variant Classification Summary - May 2015. Collection method: clinical testing. Allele origin: germline.
Comment: Variant summary: MYH11 c.1596+8delG alters a non-conserved nucleotide located close to a canonical splice site and therefore could affect mRNA splicing, leading to a significantly altered protein sequence. 4/4 computational tools predict no significant impact on normal splicing. However, these predictions have yet to be confirmed by functional studies. The variant allele was found at a frequency of 0.00021 in 250854 control chromosomes. The observed variant frequency is approximately 17 fold of the estimated maximal expected allele frequency for a pathogenic variant in MYH11 causing Thoracic Aortic Aneurysms And Dissections phenotype (1.3e-05), strongly suggesting that the variant is benign. To our knowledge, no occurrence of c.1596+8delG in individuals affected with Thoracic Aortic Aneurysms And Dissections and no experimental evidence demonstrating its impact on protein function have been reported. One clinical diagnostic laboratory has submitted clinical-significance assessments for this variant to ClinVar after 2014 without evidence for independent evaluation and classified the variant as likely benign. Based on the evidence outlined above, the variant was classified as benign.

CHEO Genetics Diagnostic Laboratory, Children's Hospital of Eastern Ontario
Classification: Likely benign for Familial thoracic aortic aneurysm and aortic dissection. Last evaluated: 2020-12-22. Review status: criteria provided, single submitter. Criteria: ACMG Guidelines, 2015. Collection method: clinical testing. Allele origin: germline.

GeneDx
Classification: Benign for Thoracic aortic aneurysms and aortic dissections. Last evaluated: 2013-12-26. Review status: criteria provided, single submitter. Criteria: GeneDx Variant Classification (06012015). Collection method: clinical testing. Allele origin: germline. Affected: yes.
Comment: The variant is found in TAAD panel(s).

PreventionGenetics, part of Exact Sciences
Classification: Likely benign for MYH11-related condition. Last evaluated: 2021-07-27. Review status: no assertion criteria provided. Collection method: clinical testing. Allele origin: germline. Not counted in ClinVar's aggregate classification.
Comment: This variant is classified as likely benign based on ACMG/AMP sequence variant interpretation guidelines (Richards et al. 2015 PMID: 25741868, with internal and published modifications).

Clinical Genetics DNA and cytogenetics Diagnostics Lab, Erasmus MC, Erasmus Medical Center
Classification: Likely benign. Review status: no assertion criteria provided. Collection method: clinical testing. Allele origin: germline. Affected: yes. Study: VKGL Data-share Consensus. Not counted in ClinVar's aggregate classification.

Genome Diagnostics Laboratory, University Medical Center Utrecht
Classification: Likely benign. Review status: no assertion criteria provided. Collection method: clinical testing. Allele origin: germline. Affected: yes. Study: VKGL Data-share Consensus. Not counted in ClinVar's aggregate classification.